The following is an entry in ClinVar:

NM_000094.4(COL7A1):c.4783G>A (p.Gly1595Ser)

Gene: COL7A1 (collagen type VII alpha 1 chain; minus strand). Cytogenetic location: 3p21.31.
Variant type: single nucleotide variant.
Coding change: c.4783G>A on transcript NM_000094.4 (MANE Select); coding-DNA position 4783, G replaced by A.
Protein change: p.Gly1595Ser; replaces glycine 1595 with serine.
Molecular consequence: missense variant.
Genome position (GRCh38, 1-based): chr3:48,581,483, C>T on the plus strand (G>A on the coding strand, the complement: COL7A1 is on the minus strand). VCF-style: chr3-48581483-C-T. GRCh37 (hg19) VCF-style: chr3-48618916-C-T.
Other names: short protein forms G1595S.
Identifiers: ClinVar variation 5006635 (VCV005006635.2).

ClinVar aggregate classification (germline): Likely pathogenic (1 of 4 stars; one submission).

Conditions:
Pretibial dystrophic epidermolysis bullosa. Also called: EPIDERMOLYSIS BULLOSA DYSTROPHICA, PRETIBIAL; Pretibial epidermolysis bullosa; Pretibial blistering. Identifiers: Orphanet 79410, MedGen C0432321, MONDO:0007552, OMIM 131850, HP:0012221.
Dominant dystrophic epidermolysis bullosa with absence of skin. Also called: EPIDERMOLYSIS BULLOSA WITH CONGENITAL LOCALIZED ABSENCE OF SKIN AND DEFORMITY OF NAILS; EPIDERMOLYSIS BULLOSA DYSTROPHICA, BART TYPE. Identifiers: MedGen C0268371, MONDO:0007557, OMIM 132000.
Generalized dominant dystrophic epidermolysis bullosa (DDEB). Also called: Dominant DEB (DDEB); DYSTROPHIC EPIDERMOLYSIS BULLOSA, AUTOSOMAL DOMINANT; Epidermolysis bullosa dystrophica, autosomal dominant; DDEB, generalized; DDEB-gen. Identifiers: Orphanet 231568, MedGen C0432322, MONDO:0007549, OMIM 131750.
Nonsyndromic congenital nail disorder 8. Also called: TOENAIL DYSTROPHY, ISOLATED. Identifiers: MedGen C1843761, MONDO:0011852, OMIM 607523.
Epidermolysis bullosa pruriginosa. Also called: DEB, PRURIGINOSA; DYSTROPHIC EPIDERMOLYSIS BULLOSA PRURIGINOSA. Identifiers: Orphanet 89843, MedGen C1275114, MONDO:0011398, OMIM 604129.
Transient bullous dermolysis of the newborn (TBDN). Also called: EPIDERMOLYSIS BULLOSA DYSTROPHICA, NEONATAL FORM; DYSTROPHIC EPIDERMOLYSIS BULLOSA, NEONATAL. Identifiers: Orphanet 79411, MedGen C1851573, MONDO:0007548, OMIM 131705.
Recessive dystrophic epidermolysis bullosa (RDEB). Also called: Recessive DEB (RDEB); Epidermolysis Bullosa Distrophica Autosomal Recessive (RDEB); Hallopeau-Siemens Disease; severe generalized recessive dystrophic epidermolysis bullosa; epidermolysis bullosa dystrophica, autosomal recessive; DYSTROPHIC EPIDERMOLYSIS BULLOSA, AUTOSOMAL RECESSIVE. Identifiers: Orphanet 79408, Orphanet 79409, MedGen C0079474, MONDO:0009179, OMIM 226600.

Submission:

Juno Genomics, Hangzhou Juno Genomics, Inc
Classification: Likely pathogenic for Recessive dystrophic epidermolysis bullosa; Generalized dominant dystrophic epidermolysis bullosa; Dominant dystrophic epidermolysis bullosa with absence of skin; Nonsyndromic congenital nail disorder 8; Epidermolysis bullosa pruriginosa; Pretibial dystrophic epidermolysis bullosa; Transient bullous dermolysis of the newborn. Review status: criteria provided, single submitter. Criteria: ACMG Guidelines, 2015. Collection method: clinical testing. Allele origin: germline.
Comment: Absent from controls (or at extremely low frequency if recessive) in Genome Aggregation Database.;Multiple lines of computational evidence support a deleterious effect on the gene or gene product.;For recessive disorders, detected in trans with a pathogenic variant.